The following is an entry in ClinVar:

NM_016203.4(PRKAG2):c.1569A>T (p.Arg523Ser)

Gene: PRKAG2 (protein kinase AMP-activated non-catalytic subunit gamma 2; minus strand). Cytogenetic location: 7q36.1.
Variant type: single nucleotide variant.
Coding change: c.1569A>T on transcript NM_016203.4 (MANE Select); coding-DNA position 1569, A replaced by T.
Protein change: p.Arg523Ser; replaces arginine 523 with serine.
Molecular consequence: missense variant.
Genome position (GRCh38, 1-based): chr7:151,564,093, T>A on the plus strand (A>T on the coding strand, the complement: PRKAG2 is on the minus strand). VCF-style: chr7-151564093-T-A. GRCh37 (hg19) VCF-style: chr7-151261179-T-A.
Other names: c.1437A>T, p.Arg479Ser (NM_001040633.2, NM_001407024.1); c.1194A>T, p.Arg398Ser (NM_001304527.2, NM_001407029.1); c.846A>T, p.Arg282Ser (NM_001304531.2, NM_001407034.1, NM_001407035.1 and 1 more transcripts); c.1197A>T, p.Arg399Ser (NM_001363698.2, NM_001407028.1); c.1569A>T, p.Arg523Ser (NM_001407021.1); c.1566A>T, p.Arg522Ser (NM_001407022.1, NM_001407023.1); c.1434A>T, p.Arg478Ser (NM_001407026.1, NM_001407027.1); c.1281A>T, p.Arg427Ser (NM_001407030.1); and 6 more; short protein forms R302S, R398S, R415S, R479S, R522S, R281S, R298S, R399S.
Identifiers: ClinVar variation 3636778 (VCV003636778.2).

ClinVar aggregate classification (germline): Uncertain significance (1 of 4 stars; one submission).

Conditions:
Lethal congenital glycogen storage disease of heart. Also called: PHOSPHORYLASE KINASE DEFICIENCY OF HEART; GLYCOGEN STORAGE DISEASE OF HEART. Identifiers: Orphanet 439854, MedGen C1849813, MONDO:0009867, OMIM 261740.

gnomAD v4.1: 1 of 1,614,124 alleles (0.000062%); highest among the groups gnomAD compares: Non-Finnish European, 0.000085%; no homozygotes.

Submission:

Labcorp Genetics (formerly Invitae), Labcorp
Classification: Uncertain significance for Lethal congenital glycogen storage disease of heart. Last evaluated: 2024-05-21. Review status: criteria provided, single submitter. Criteria: Invitae Variant Classification Sherloc (09022015). Collection method: clinical testing. Allele origin: germline.
Comment: This sequence change replaces arginine, which is basic and polar, with serine, which is neutral and polar, at codon 523 of the PRKAG2 protein (p.Arg523Ser). This variant is not present in population databases (gnomAD no frequency). This variant has not been reported in the literature in individuals affected with PRKAG2-related conditions. Advanced modeling of protein sequence and biophysical properties (such as structural, functional, and spatial information, amino acid conservation, physicochemical variation, residue mobility, and thermodynamic stability) has been performed at Invitae for this missense variant, however the output from this modeling did not meet the statistical confidence thresholds required to predict the impact of this variant on PRKAG2 protein function. In summary, the available evidence is currently insufficient to determine the role of this variant in disease. Therefore, it has been classified as a Variant of Uncertain Significance.